The following is an entry in ClinVar:

NM_003737.4(DCHS1):c.7204G>A (p.Asp2402Asn)

Gene: DCHS1 (dachsous cadherin-related 1; minus strand). Cytogenetic location: 11p15.4.
Variant type: single nucleotide variant.
Coding change: c.7204G>A on transcript NM_003737.4 (MANE Select); coding-DNA position 7204, G replaced by A.
Protein change: p.Asp2402Asn; replaces aspartic acid 2402 with asparagine.
Molecular consequence: missense variant.
Genome position (GRCh38, 1-based): chr11:6,624,811, C>T on the plus strand (G>A on the coding strand, the complement: DCHS1 is on the minus strand). VCF-style: chr11-6624811-C-T. GRCh37 (hg19) VCF-style: chr11-6646042-C-T.
Other names: short protein forms D2402N.
Identifiers: ClinVar variation 3377407 (VCV003377407.1).
Genomic context (GRCh38, chr11:6,624,811, plus strand): 5'-AGCCATCGGCAGGGGAAGCCAGGTGGTAGGAAATGTGACCGTTGGCACCTGAGTCCCGAT[C>T]AGTGGCAGAGACGGAGAGAATGGCACTGCCTGGGGGTGTGTGCTCAAGCAGCATTACCTG-3'
Protein context (NP_003728.1, residues 2392-2412): GSAILSVSAT[Asp2402Asn]RDSGANGHIS

ClinVar aggregate classification (germline): Likely pathogenic (1 of 4 stars; one submission).

Conditions:
Van Maldergem syndrome 1 (VMLDS1). Also called: Van Maldergem syndrome 1 (VMLDS1). Identifiers: Orphanet 314679, MedGen C4551950, MONDO:0011070, OMIM 601390.

Submission:

Victorian Clinical Genetics Services, Murdoch Childrens Research Institute
Classification: Likely pathogenic for Van Maldergem syndrome 1. Last evaluated: 2019-08-28. Review status: criteria provided, single submitter. Criteria: ACMG Guidelines, 2015. Collection method: clinical testing. Allele origin: germline. Affected: yes.
Comment: A heterozygous missense variant was identified, NM_003737.3(DCHS1):c.7204G>A in exon 20 of 21 of the DCHS1 gene. This substitution is predicted to create a minor amino acid change from aspartic acid to asparagine at position 2402 of the protein, NP_003728.1(DCHS1):p.(Asp2402Asn). The aspartic acid at this position has very high conservation (100 vertebrates, UCSC), and is located within the cadherin repeat domain. In silico software predicts this variant to be disease causing (Polyphen, SIFT, CADD, Mutation Taster). The variant is not present in the gnomAD population database. The variant has been previously reported as pathogenic in a patient with Van Maldergem syndrome (Ulubas Isik D. et al. (2018)). Based on information available at the time of curation, this variant has been classified as LIKELY PATHOGENIC.